The following is an entry in ClinVar:

ClinVar aggregate classification (germline): Pathogenic (1 of 4 stars; one submission).

Conditions:
Leigh syndrome (NULS). Also called: Leigh's syndrome; Leigh's necrotizing encephalopathy; Leigh's disease; Leigh Syndrome (mtDNA deletion); Leigh Disease; Subacute necrotizing encephalopathy. Identifiers: Orphanet 506, MedGen C2931891, MONDO:0009723, OMIM 256000.

Submission:

Labcorp Genetics (formerly Invitae), Labcorp
Classification: Pathogenic for Leigh syndrome. Last evaluated: 2023-02-08. Review status: criteria provided, single submitter. Criteria: Invitae Variant Classification Sherloc (09022015). Collection method: clinical testing. Allele origin: germline.
Comment: This variant has not been reported in the literature in individuals affected with SURF1-related conditions. For these reasons, this variant has been classified as Pathogenic. This variant is not present in population databases (gnomAD no frequency). This sequence change creates a premature translational stop signal (p.Val37Leufs*21) in the SURF1 gene. It is expected to result in an absent or disrupted protein product. Loss-of-function variants in SURF1 are known to be pathogenic (PMID: 10443880, 22488715, 24027061).

Literature cited by the submitters: PubMed 10443880; PubMed 22488715; PubMed 24027061.

NC_000009.12:g.133354954_133354958del

Gene: SURF1 (SURF1 cytochrome c oxidase assembly factor; minus strand). Cytogenetic location: 9q34.2.
Variant type: Deletion.
Genome position: GRCh38 VCF-style: chr9-133354951-GCCACC-G. GRCh37 (hg19) VCF-style: chr9-136221806-GCCACC-G.
Identifiers: ClinVar variation 2835259 (VCV002835259.3), dbSNP rs2490623707, ClinGen allele CA2739265150.